The following is an entry in ClinVar:

ClinVar aggregate classification (germline): Likely pathogenic (1 of 4 stars; one submission).

Conditions:
Hereditary cancer-predisposing syndrome. Also called: Neoplastic Syndromes, Hereditary; Tumor predisposition; Hereditary Cancer Syndrome; Hereditary neoplastic syndrome. Identifiers: Orphanet 140162, MedGen C0027672, MeSH D009386, MONDO:0015356.

Submission:

Color Diagnostics, LLC DBA Color Health
Classification: Likely pathogenic for Hereditary cancer-predisposing syndrome. Last evaluated: 2025-02-17. Review status: criteria provided, single submitter. Criteria: ACMG Guidelines, 2015. Collection method: clinical testing. Allele origin: germline.
Comment: This variant causes a 73 nucleotide deletion of including the intron 7/exon 8 splice acceptor site of the CHEK2 gene. Splice site prediction tools suggest that this variant may have a significant impact on RNA splicing. Although this prediction has not been confirmed in published RNA studies, this variant is expected to result in an absent or disrupted protein product. This variant has not been reported in individuals affected with CHEK2-related disorders in the literature. This variant has not been identified in the general population by the Genome Aggregation Database (gnomAD). Based on the available evidence, this variant is classified as Likely Pathogenic.

NM_007194.4(CHEK2):c.847-44_875del

Gene: CHEK2 (checkpoint kinase 2; minus strand). Cytogenetic location: 22q12.1.
Variant type: Deletion.
Coding change: c.847-44_875del on transcript NM_007194.4 (MANE Select); 44 bases into the intron before coding-DNA position 847 through coding-DNA position 875, 73 bases deleted.
Molecular consequence: splice acceptor variant.
Genome position (GRCh38, 1-based): chr22:28,703,538-28,703,610, 73 bases deleted. GRCh37 (hg19): chr22:29,099,528-29,099,600.
Other names: c.184-44_212del (NM_001437942.1, NM_001257387.3); c.646-44_674del (NM_001349956.3); c.847-44_875del (NM_145862.3); c.940-44_968del (NM_001438295.1, NM_001438293.1); c.976-44_1004del (NM_001438294.1, NM_001005735.3).
Identifiers: ClinVar variation 3893871 (VCV003893871.1).